The following is an entry in ClinVar:

NM_000135.4(FANCA):c.3777C>A (p.Phe1259Leu)

Genes: FANCA (FA complementation group A; minus strand), ZNF276 (zinc finger protein 276; plus strand). Cytogenetic location: 16q24.3.
Variant type: single nucleotide variant.
Coding change: c.3777C>A on transcript NM_000135.4 (MANE Select); coding-DNA position 3777, C replaced by A.
Protein change: p.Phe1259Leu; replaces phenylalanine 1259 with leucine.
Molecular consequence: missense variant. On other transcripts: 3 prime UTR variant (2), non-coding transcript variant (4).
Genome position (GRCh38, 1-based): chr16:89,740,855, G>T on the plus strand (C>A on the coding strand, the complement: FANCA is on the minus strand). VCF-style: chr16-89740855-G-T. GRCh37 (hg19) VCF-style: chr16-89807263-G-T.
Other names: c.3777C>A, p.Phe1259Leu (NM_001286167.3); c.*2609G>T (NM_001113525.2, NM_152287.4); short protein forms F1259L.
Identifiers: ClinVar variation 4870797 (VCV004870797.1).

ClinVar aggregate classification (germline): Uncertain significance (1 of 4 stars; one submission).

Conditions:
Inborn genetic diseases. Identifiers: MedGen C0950123, MeSH D030342.

Submission:

Ambry Genetics
Classification: Uncertain significance for Inborn genetic diseases. Last evaluated: 2026-03-21. Review status: criteria provided, single submitter. Criteria: Ambry Variant Classification Scheme 2023. Collection method: clinical testing. Allele origin: germline.
Comment: The p.F1259L variant (also known as c.3777C>A), located in coding exon 38 of the FANCA gene, results from a C to A substitution at nucleotide position 3777. The phenylalanine at codon 1259 is replaced by leucine, an amino acid with highly similar properties. This amino acid position is conserved. In addition, this alteration is predicted to be tolerated by in silico analysis. Based on the available evidence, the clinical significance of this variant remains unclear.